The following is an entry in ClinVar:

NM_004186.5(SEMA3F):c.2167C>A (p.Pro723Thr)

Gene: SEMA3F (semaphorin 3F; plus strand). Cytogenetic location: 3p21.31.
Variant type: single nucleotide variant.
Coding change: c.2167C>A on transcript NM_004186.5 (MANE Select); coding-DNA position 2167, C replaced by A.
Protein change: p.Pro723Thr; replaces proline 723 with threonine.
Molecular consequence: missense variant.
Genome position (GRCh38, 1-based): chr3:50,187,924, C>A. VCF-style: chr3-50187924-C-A. GRCh37 (hg19) VCF-style: chr3-50225357-C-A.
Other names: c.1870C>A, p.Pro624Thr (NM_001318798.2); c.2074C>A, p.Pro692Thr (NM_001318800.2); short protein forms P624T, P692T, P723T.
Identifiers: ClinVar variation 3353783 (VCV003353783.1).

ClinVar aggregate classification (germline): Uncertain significance (0 of 4 stars; one submission).

Conditions:
SEMA3F-related disorder. Also called: SEMA3F-related condition.

Submission:

PreventionGenetics, part of Exact Sciences
Classification: Uncertain significance for SEMA3F-related condition. Last evaluated: 2024-01-31. Review status: no assertion criteria provided. Collection method: clinical testing. Allele origin: germline.
Comment: The SEMA3F c.2167C>A variant is predicted to result in the amino acid substitution p.Pro723Thr. To our knowledge, this variant has not been reported in the literature. This variant is reported in 0.0072% of alleles in individuals of African descent in gnomAD. At this time, the clinical significance of this variant is uncertain due to the absence of conclusive functional and genetic evidence.